The following is an entry in ClinVar:

ClinVar aggregate classification (germline): Likely pathogenic (1 of 4 stars; one submission).

Conditions:
Cranioectodermal dysplasia 2 (CED2). Identifiers: Orphanet 1515, MedGen C3150874, MONDO:0013323, OMIM 613610.
Short-rib thoracic dysplasia 7 with or without polydactyly (SRTD7). Also called: SHORT-RIB THORACIC DYSPLASIA 7 WITH POLYDACTYLY; Short rib polydactyly syndrome 5. Identifiers: Orphanet 498497, Orphanet 93271, MedGen C3279792, MONDO:0013569, OMIM 614091.

Submission:

Juno Genomics, Hangzhou Juno Genomics, Inc
Classification: Likely pathogenic for Cranioectodermal dysplasia 2; Short-rib thoracic dysplasia 7 with or without polydactyly. Review status: criteria provided, single submitter. Criteria: ACMG Guidelines, 2015. Collection method: clinical testing. Allele origin: germline.
Comment: Null variant in a gene where loss of function (LOF) is a known mechanism of disease.;Absent from controls (or at extremely low frequency if recessive) in Genome Aggregation Database.

NM_020779.4(WDR35):c.2938G>T (p.Gly980Ter)

Gene: WDR35 (WD repeat domain 35; minus strand). Cytogenetic location: 2p24.1.
Variant type: single nucleotide variant.
Coding change: c.2938G>T on transcript NM_020779.4 (MANE Select); coding-DNA position 2938, G replaced by T.
Protein change: p.Gly980Ter; replaces glycine 980 with a stop codon.
Molecular consequence: nonsense.
Genome position (GRCh38, 1-based): chr2:19,931,295, C>A on the plus strand (G>T on the coding strand, the complement: WDR35 is on the minus strand). VCF-style: chr2-19931295-C-A. GRCh37 (hg19) VCF-style: chr2-20131056-C-A.
Other names: c.2971G>T, p.Gly991Ter (NM_001006657.2); short protein forms G980*, G991*.
Identifiers: ClinVar variation 5037966 (VCV005037966.2).
Genomic context (GRCh38, chr2:19,931,295, plus strand): 5'-CAATGATGTAATGTTATTTAACGTGCTACTTTACCTCTGAACTTTTTCCTTTAACTTTTC[C>A]TCGCTGGGCATTCTTCATCTGTTCATGGTATTGCTCTATAAGTAAGGCTGACAGTACATA-3'